The following is an entry in ClinVar:

NM_152424.4(AMER1):c.1145AAGAAGAGG[1] (p.Glu385_Glu387del)

Gene: AMER1 (APC membrane recruitment protein 1; minus strand). Cytogenetic location: Xq11.2.
Variant type: Microsatellite.
Coding change: c.1145AAGAAGAGG[1] on transcript NM_152424.4 (MANE Select); one copy of the 9-base unit AAGAAGAGG starting at c.1145; the reference has two copies in a row; one copy, 9 bases deleted.
Protein change: p.Glu385_Glu387del.
Molecular consequence: inframe deletion.
Genome position (GRCh38, 1-based): chrX:64,192,125-64,192,133, CCTCTTCTT deleted on the plus strand (AAGAAGAGG on the coding strand, the reverse complement: AMER1 is on the minus strand); deleting any 9 consecutive bases within chrX:64,192,125-64,192,146 gives the same sequence; the position shown is the placement nearest the transcript's 3' end. VCF-style (leftmost placement, unchanged base first): chrX-64192124-ACCTCTTCTT-A. GRCh37 (hg19) VCF-style: chrX-63412004-ACCTCTTCTT-A.
Identifiers: ClinVar variation 133486 (VCV000133486.8), dbSNP rs587778022, ClinGen allele CA156674.

ClinVar aggregate classification (germline): Benign. Review status: criteria provided, single submitter (1 of 4 stars). 2 submissions from 2 submitters: Benign (1). 1 of the submissions does not count toward it. Last evaluated 2025-10-12.

Submissions (2):

Labcorp Genetics (formerly Invitae), Labcorp
Classification: Benign. Last evaluated: 2025-10-12. Review status: criteria provided, single submitter. Criteria: Invitae Variant Classification Sherloc (09022015). Collection method: clinical testing. Allele origin: germline.

ITMI
No classification provided. Condition: AllHighlyPenetrant. Last evaluated: 2013-09-19. Review status: no classification provided. Collection method: reference population. Allele origin: germline. Not counted in ClinVar's aggregate classification.
Comment: Please see associated publication for description of ethnicities

Literature cited by the submitters: PubMed 24728327 (cited by ITMI).